The following is an entry in ClinVar:

NM_152564.5(VPS13B):c.2515+16595C>T

Gene: VPS13B (vacuolar protein sorting 13 homolog B; plus strand). Cytogenetic location: 8q22.2.
Variant type: single nucleotide variant.
Coding change: c.2515+16595C>T on transcript NM_152564.5 (MANE Select); 16595 bases into the intron after coding-DNA position 2515, C replaced by T.
Molecular consequence: intron variant. On other transcripts: missense variant (1).
Genome position (GRCh38, 1-based): chr8:99,209,652, C>T. VCF-style: chr8-99209652-C-T. GRCh37 (hg19) VCF-style: chr8-100221880-C-T.
Other names: c.2576C>T, p.Pro859Leu (NM_015243.3); c.2515+16595C>T (NM_017890.5); short protein forms P859L.
Identifiers: ClinVar variation 3057376 (VCV003057376.3), dbSNP rs868773864, ClinGen allele CA182912002.

ClinVar aggregate classification (germline): Uncertain significance (1 of 4 stars; one submission).

Conditions:
VPS13B-related disorder. Also called: VPS13B-related condition.

Allele frequency attached by ClinVar (database versions not stated): TOPMed 0.00002; gnomAD 0.00003.

Submission:

PreventionGenetics, part of Exact Sciences
Classification: Uncertain significance for VPS13B-related condition. Last evaluated: 2026-08-24. Review status: criteria provided, single submitter. Criteria: ACMG Guidelines, 2015. Collection method: clinical testing. Allele origin: germline.
Comment: The VPS13B c.2576C>T variant is predicted to result in the amino acid substitution p.Pro859Leu. This variant corresponds to a deep intronic position (c.2515+16595C>T) in the NM_152564.4 and NM_017890.4 transcripts. To our knowledge, this variant has not been reported in the literature. This variant is reported in 0.0070% of alleles in individuals of European (Non-Finnish) descent in gnomAD. At this time, the clinical significance of this variant is uncertain due to the absence of conclusive functional and genetic evidence.